The following is an entry in ClinVar:

ClinVar aggregate classification (germline): Uncertain significance (1 of 4 stars; one submission).

Allele frequency attached by ClinVar (database versions not stated): TOPMed below 0.00001; gnomAD 0.00001; ExAC 0.00003; 1000 Genomes Project 30x 0.00016; 1000 Genomes Project 0.00020.
gnomAD v4.1: 10 of 1,612,220 alleles (0.00062%); highest among the groups gnomAD compares: Admixed American, 0.017%; no homozygotes.

Submission:

Labcorp Genetics (formerly Invitae), Labcorp
Classification: Uncertain significance. Last evaluated: 2024-04-16. Review status: criteria provided, single submitter. Criteria: Invitae Variant Classification Sherloc (09022015). Collection method: clinical testing. Allele origin: germline.
Comment: This sequence change falls in intron 18 of the FLNB gene. It does not directly change the encoded amino acid sequence of the FLNB protein. It affects a nucleotide within the consensus splice site. This variant is present in population databases (rs202103586, gnomAD 0.01%). This variant has not been reported in the literature in individuals affected with FLNB-related conditions. ClinVar contains an entry for this variant (Variation ID: 1357091). Variants that disrupt the consensus splice site are a relatively common cause of aberrant splicing (PMID: 17576681, 9536098). Algorithms developed to predict the effect of sequence changes on RNA splicing suggest that this variant may disrupt the consensus splice site. In summary, the available evidence is currently insufficient to determine the role of this variant in disease. Therefore, it has been classified as a Variant of Uncertain Significance.

Literature cited by the submitters: PubMed 17576681; PubMed 9536098.

NM_001457.4(FLNB):c.2746-3C>G

Gene: FLNB (filamin B; plus strand). Cytogenetic location: 3p14.3.
Variant type: single nucleotide variant.
Coding change: c.2746-3C>G on transcript NM_001457.4 (MANE Select); 3 bases into the intron before coding-DNA position 2746, C replaced by G.
Molecular consequence: intron variant.
Genome position (GRCh38, 1-based): chr3:58,118,869, C>G. VCF-style: chr3-58118869-C-G. GRCh37 (hg19) VCF-style: chr3-58104596-C-G.
Other names: c.2746-3C>G (NM_001164317.2, NM_001164318.2, NM_001164319.2).
Identifiers: ClinVar variation 1357091 (VCV001357091.6), dbSNP rs202103586, ClinGen allele CA2468225.